The following is an entry in ClinVar:

ClinVar aggregate classification (germline): Likely benign (1 of 4 stars; one submission).

gnomAD v4.1: 32 of 1,614,002 alleles (0.002%); highest among the groups gnomAD compares: East Asian, 0.0045%; no homozygotes.

Submission:

CeGaT Center for Human Genetics Tuebingen
Classification: Likely benign. Last evaluated: 2024-11-01. Review status: criteria provided, single submitter. Criteria: CeGaT Center For Human Genetics Tuebingen Variant Classification Criteria Version 2. Collection method: clinical testing. Allele origin: germline. Affected: yes. Observed: 1 variant allele.
Comment: ELF3: BP4, BP7

NM_004433.5(ELF3):c.204G>A (p.Ser68=)

Gene: ELF3 (E74 like ETS transcription factor 3; plus strand). Cytogenetic location: 1q32.1.
Variant type: single nucleotide variant.
Coding change: c.204G>A on transcript NM_004433.5 (MANE Select); coding-DNA position 204, G replaced by A.
Protein change: p.Ser68=; no amino-acid change (serine 68 retained).
Molecular consequence: synonymous variant.
Genome position (GRCh38, 1-based): chr1:202,011,997, G>A. VCF-style: chr1-202011997-G-A. GRCh37 (hg19) VCF-style: chr1-201981125-G-A.
Other names: c.204G>A, p.Ser68= (NM_001114309.2).
Identifiers: ClinVar variation 3389488 (VCV003389488.14).